The following is an entry in ClinVar:

ClinVar aggregate classification (germline): Pathogenic. Review status: criteria provided, multiple submitters, no conflicts (2 of 4 stars). 5 submissions from 5 submitters: Pathogenic (5). Last evaluated 2025-09-25.

Conditions:
Cardiac arrhythmia. Also called: Arrhythmia; Cardiac rhythm disease. Identifiers: MedGen C0003811, MONDO:0007263, HP:0011675.
Long QT syndrome (LQTS). Identifiers: MedGen C0023976, MeSH D008133, MONDO:0002442. Disease mechanism: loss of function. Inheritance: Various modes of inheritance.
Cardiovascular phenotype. Identifiers: MedGen CN230736.

Submissions (5):

GeneDx
Classification: Pathogenic. Last evaluated: 2025-09-25. Review status: criteria provided, single submitter. Criteria: GeneDx Variant Classification Process June 2021. Collection method: clinical testing. Allele origin: germline. Affected: yes.
Comment: Frameshift variant predicted to result in protein truncation or nonsense mediated decay in a gene for which loss-of-function is a known mechanism of disease; Not observed at significant frequency in large population cohorts (gnomAD); This variant is associated with the following publications: (PMID: 19716085, 26669661, 19841300)

Labcorp Genetics (formerly Invitae), Labcorp
Classification: Pathogenic for Long QT syndrome. Last evaluated: 2025-09-08. Review status: criteria provided, single submitter. Criteria: Invitae Variant Classification Sherloc (09022015). Collection method: clinical testing. Allele origin: germline.
Comment: This sequence change creates a premature translational stop signal (p.Val288Trpfs*60) in the KCNQ1 gene. It is expected to result in an absent or disrupted protein product. Loss-of-function variants in KCNQ1 are known to be pathogenic (PMID: 9323054, 19862833). This variant is not present in population databases (gnomAD no frequency). This premature translational stop signal has been observed in individual(s) with clinical features of long QT syndrome (PMID: 19716085). ClinVar contains an entry for this variant (Variation ID: 53119). For these reasons, this variant has been classified as Pathogenic.

Ambry Genetics
Classification: Pathogenic for Cardiovascular phenotype. Last evaluated: 2025-03-25. Review status: criteria provided, single submitter. Criteria: Ambry Variant Classification Scheme 2023. Collection method: clinical testing. Allele origin: germline.
Comment: The c.862_880del19 pathogenic mutation, located in coding exon 6 of the KCNQ1 gene, results from a deletion of 19 nucleotides at nucleotide positions 862 to 880, causing a translational frameshift with a predicted alternate stop codon (p.V288Wfs*60). This variant (also referred to as A287fs+59X and V288fs/60) was reported in individual(s) with features consistent with long QT syndrome (Kapplinger JD et al. Heart Rhythm, 2009 Sep;6:1297-303; Kapa S et al. Circulation, 2009 Nov;120:1752-60). This variant is considered to be rare based on population cohorts in the Genome Aggregation Database (gnomAD). This alteration is expected to result in loss of function by premature protein truncation or nonsense-mediated mRNA decay. As such, this alteration is interpreted as a disease-causing mutation.

All of Us Research Program, National Institutes of Health
Classification: Pathogenic for Long QT syndrome. Last evaluated: 2023-11-15. Review status: criteria provided, single submitter. Criteria: ACMG Guidelines, 2015. Collection method: clinical testing. Allele origin: germline. Inheritance: Autosomal dominant inheritance. Observed: 1 variant allele, 1 heterozygote.
Comment: The c.862_880del (p.Val288Trpfs*60) variant of KCNQ1 gene, that encodes for potassium voltage-gated channel subfamily Q member 1, creates a premature termination codon that is predicted to lead to an absent or truncated protein product. This variant has been identified in several individuals (>6) affected with Long QT syndrome (LQTS) (PMID:19841300, 32893267) and individuals referred for LQTS genetic testing (PMID: 19716085). This variant has also been reported in eight individuals in a LQTS family; however, detailed phenotypes are not available for all individuals (PMID: 26669661). Loss of function variants are known to be pathogenic for KCNQ1 (PMID: 26669661, 29532034, 23098067). This variant is found to be absent in the general population database, gnomAD and interpreted as pathogenic by several submitters in the ClinVar database (ClinVar ID: 53119). Therefore, the c.862_880del (p.Val288Trpfs*60) variant in the KCNQ1 gene is classified as pathogenic.

This study involves interpretation of variants in research participants for the purpose of population health screening. Participant phenotype was not available at the time of variant classification. Additional details can be found in publication PMID: 35346344, PMCID: PMC8962531

Color Diagnostics, LLC DBA Color Health
Classification: Pathogenic for Cardiac arrhythmia. Last evaluated: 2019-11-15. Review status: criteria provided, single submitter. Criteria: ACMG Guidelines, 2015. Collection method: clinical testing. Allele origin: germline.
Comment: This variant deletes 19 nucleotides in exon 6 of the KCNQ1 gene, creating a frameshift and premature translation stop signal. This variant is expected to result in an absent or non-functional protein product. Splice site prediction tools suggest that this variant may not impact RNA splicing. To our knowledge, functional studies have not been performed for this variant. This variant has been reported in a family affected with long QT syndrome (PMID: 26669661). This variant has not been identified in the general population by the Genome Aggregation Database (gnomAD). Loss of KCNQ1 function is a known mechanism of disease. Based on the available evidence, this variant is classified as Pathogenic.

Literature cited by the submitters: PubMed 9323054 (cited by Labcorp Genetics (formerly Invitae), Labcorp); PubMed 19862833 (cited by Labcorp Genetics (formerly Invitae), Labcorp); PubMed 19716085 (cited by 3 submitters); PubMed 19841300 (cited by Ambry Genetics and All of Us Research Program, National Institutes of Health); PubMed 23098067 (cited by All of Us Research Program, National Institutes of Health); PubMed 26669661 (cited by All of Us Research Program, National Institutes of Health); PubMed 29532034 (cited by All of Us Research Program, National Institutes of Health); PubMed 32893267 (cited by All of Us Research Program, National Institutes of Health).

NM_000218.3(KCNQ1):c.862_880del (p.Val288fs)

Gene: KCNQ1 (potassium voltage-gated channel subfamily Q member 1; plus strand). Cytogenetic location: 11p15.5.
Variant type: Deletion.
Coding change: c.862_880del on transcript NM_000218.3 (MANE Select); coding-DNA positions 862 to 880, 19 bases deleted (GTGAACGAGTCAGGCCGCG).
Protein change: p.Val288fs; shifts the reading frame from valine 288.
Molecular consequence: frameshift variant.
Genome position (GRCh38, 1-based): chr11:2,572,927-2,572,945, GTGAACGAGTCAGGCCGCG deleted; deleting any 19 consecutive bases within chr11:2,572,923-2,572,945 gives the same sequence; the c. name uses the placement nearest the transcript's 3' end. VCF-style (leftmost placement, unchanged base first): chr11-2572922-ACGCGGTGAACGAGTCAGGC-A. GRCh37 (hg19) VCF-style: chr11-2594152-ACGCGGTGAACGAGTCAGGC-A.
Other names: c.862_880delGTGAACGAGTCAGGCCGCG (NM_000218.2); c.481_499delGTGAACGAGTCAGGCCGCG (NM_181798.1); c.862_880del19, p.Val288Trpfs (NM_000218.2, NM_001406836.1); c.592_610del19, p.Val198Trpfs (NM_001406837.1); c.481_499del19, p.Val161Trpfs (NM_181798.2); short protein forms V161fs, V288fs.
Identifiers: ClinVar variation 53119 (VCV000053119.28), dbSNP rs397508129, ClinGen allele CA008499.